The following is an entry in ClinVar:

ClinVar aggregate classification (germline): Uncertain significance (1 of 4 stars; one submission).

Allele frequency attached by ClinVar (database versions not stated): ExAC 0.00003; gnomAD 0.00001; gnomAD exomes 0.00001; TOPMed 0.00001.
gnomAD v4.1: 33 of 1,580,732 alleles (0.0021%); highest among the groups gnomAD compares: African/African-American, 0.0027%; no homozygotes.

Submission:

Laboratorio de Genetica e Diagnostico Molecular, Hospital Israelita Albert Einstein
Classification: Uncertain significance. Last evaluated: 2020-04-05. Review status: criteria provided, single submitter. Criteria: ACMG Guidelines, 2015. Collection method: clinical testing. Allele origin: germline. Affected: yes.
Comment: ACMG classification criteria: PM2, BP4

NM_022089.4(ATP13A2):c.*109C>T

Gene: ATP13A2 (ATPase cation transporting 13A2; minus strand). Cytogenetic location: 1p36.13.
Variant type: single nucleotide variant.
Coding change: c.*109C>T on transcript NM_022089.4 (MANE Select); 109 bases downstream of the stop codon, C replaced by T.
Molecular consequence: 3 prime UTR variant. On other transcripts: missense variant (1).
Genome position (GRCh38, 1-based): chr1:16,986,112, G>A on the plus strand (C>T on the coding strand, the complement: ATP13A2 is on the minus strand). VCF-style: chr1-16986112-G-A. GRCh37 (hg19) VCF-style: chr1-17312607-G-A.
Other names: c.*109C>T (NM_001141973.3); c.3350C>T, p.Ala1117Val (NM_001141974.3); short protein forms A1117V.
Identifiers: ClinVar variation 1690851 (VCV001690851.2), dbSNP rs747025503, ClinGen allele CA636430.